The following is an entry in ClinVar:

ClinVar aggregate classification (germline): Uncertain significance (1 of 4 stars; one submission).

Allele frequency attached by ClinVar (database versions not stated): gnomAD exomes below 0.00001.
gnomAD v4.1: 11 of 1,598,700 alleles (0.00069%); highest among the groups gnomAD compares: Non-Finnish European, 0.00051%; no homozygotes.

Submission:

Labcorp Genetics (formerly Invitae), Labcorp
Classification: Uncertain significance. Last evaluated: 2024-02-17. Review status: criteria provided, single submitter. Criteria: Invitae Variant Classification Sherloc (09022015). Collection method: clinical testing. Allele origin: germline.
Comment: This sequence change replaces glycine, which is neutral and non-polar, with alanine, which is neutral and non-polar, at codon 3 of the ASAH1 protein (p.Gly3Ala). This variant is present in population databases (no rsID available, gnomAD no frequency). This variant has not been reported in the literature in individuals affected with ASAH1-related conditions. ClinVar contains an entry for this variant (Variation ID: 1436832). An algorithm developed to predict the effect of missense changes on protein structure and function (PolyPhen-2) suggests that this variant is likely to be disruptive. In summary, the available evidence is currently insufficient to determine the role of this variant in disease. Therefore, it has been classified as a Variant of Uncertain Significance.

NM_177924.5(ASAH1):c.8G>C (p.Gly3Ala)

Genes: ASAH1 (N-acylsphingosine amidohydrolase 1; minus strand), LOC129999940 (ATAC-STARR-seq lymphoblastoid silent region 18966; plus strand). Cytogenetic location: 8p22.
Variant type: single nucleotide variant.
Coding change: c.8G>C on transcript NM_177924.5 (MANE Select); coding-DNA position 8, G replaced by C.
Protein change: p.Gly3Ala; replaces glycine 3 with alanine.
Molecular consequence: missense variant. On other transcripts: intron variant (2).
Genome position (GRCh38, 1-based): chr8:18,084,051, C>G on the plus strand (G>C on the coding strand, the complement: ASAH1 is on the minus strand). VCF-style: chr8-18084051-C-G. GRCh37 (hg19) VCF-style: chr8-17941560-C-G.
Other names: c.126+625G>C (NM_004315.6, NM_001127505.3); short protein forms G3A.
Identifiers: ClinVar variation 1436832 (VCV001436832.7), dbSNP rs1348114526, ClinGen allele CA370435916.